The following is an entry in ClinVar:

ClinVar aggregate classification (germline): Conflicting classifications of pathogenicity. Review status: criteria provided, conflicting classifications (1 of 4 stars). 2 submissions from 2 submitters: Uncertain significance (1); Likely benign (1). Last evaluated 2025-04-29.

Conditions:
Distal myopathy with posterior leg and anterior hand involvement. Also called: WILLIAMS DISTAL MYOPATHY. Identifiers: Orphanet 63273, MedGen C3279722, MONDO:0013550, OMIM 614065.
Hypertrophic cardiomyopathy 26. Also called: Cardiomyopathy, familial hypertrophic, 26. Identifiers: Orphanet 75249, MedGen C4310749, MONDO:0014883, OMIM 617047.
Myofibrillar myopathy 5. Also called: Filaminopathy (type); FILAMINOPATHY, AUTOSOMAL DOMINANT. Identifiers: Orphanet 171445, MedGen C1836050, MONDO:0012289, OMIM 609524.

Submissions (2):

Women's Health and Genetics/Laboratory Corporation of America, LabCorp
Classification: Uncertain significance. Last evaluated: 2025-04-29. Review status: criteria provided, single submitter. Criteria: LabCorp Variant Classification Summary - May 2015. Collection method: clinical testing. Allele origin: germline.
Comment: Variant summary: FLNC c.6729T>G (p.Gly2243Gly) alters a non-conserved nucleotide located close to a canonical splice site and therefore could affect mRNA splicing, leading to a significantly altered protein sequence. Several computational tools predict a significant impact on normal splicing: three predict the variant weakens a 3' acceptor site, while one predicts the variant no significant impact on splicing. However, these predictions have yet to be confirmed by functional studies. The variant allele was found at a frequency of 6.2e-07 in 1602922 control chromosomes in the gnomAD database (v4.1 dataset). The available data on variant occurrences in the general population are insufficient to allow any conclusion about variant significance. To our knowledge, no occurrence of c.6729T>G in individuals affected with Dilated Cardiomyopathy and no experimental evidence demonstrating its impact on protein function have been reported. ClinVar contains an entry for this variant (Variation ID: 3751059). Based on the evidence outlined above, the variant was classified as uncertain significance.

Labcorp Genetics (formerly Invitae), Labcorp
Classification: Likely benign for Distal myopathy with posterior leg and anterior hand involvement; Myofibrillar myopathy 5; Hypertrophic cardiomyopathy 26. Last evaluated: 2024-11-04. Review status: criteria provided, single submitter. Criteria: Invitae Variant Classification Sherloc (09022015). Collection method: clinical testing. Allele origin: germline.

NM_001458.5(FLNC):c.6729T>G (p.Gly2243=)

Genes: FLNC (filamin C; plus strand), FLNC-AS1 (FLNC antisense RNA 1; minus strand). Cytogenetic location: 7q32.1.
Variant type: single nucleotide variant.
Coding change: c.6729T>G on transcript NM_001458.5 (MANE Select); coding-DNA position 6729, T replaced by G.
Protein change: p.Gly2243=; no amino-acid change (glycine 2243 retained).
Molecular consequence: synonymous variant.
Genome position (GRCh38, 1-based): chr7:128,854,414, T>G. VCF-style: chr7-128854414-T-G. GRCh37 (hg19) VCF-style: chr7-128494468-T-G.
Other names: c.6630T>G, p.Gly2210= (NM_001127487.2).
Identifiers: ClinVar variation 3751059 (VCV003751059.4).